The following is an entry in ClinVar:

NM_018136.5(ASPM):c.3811C>T (p.Arg1271Ter)

Gene: ASPM (assembly factor for spindle microtubules; minus strand). Cytogenetic location: 1q31.3.
Variant type: single nucleotide variant.
Coding change: c.3811C>T on transcript NM_018136.5 (MANE Select); coding-DNA position 3811, C replaced by T.
Protein change: p.Arg1271Ter; replaces arginine 1271 with a stop codon.
Molecular consequence: nonsense.
Genome position (GRCh38, 1-based): chr1:197,121,974, G>A on the plus strand (C>T on the coding strand, the complement: ASPM is on the minus strand). VCF-style: chr1-197121974-G-A. GRCh37 (hg19) VCF-style: chr1-197091104-G-A.
Other names: c.3811C>T, p.Arg1271Ter (NM_001206846.2); short protein forms R1271*.
Identifiers: ClinVar variation 21583 (VCV000021583.20), dbSNP rs140602858, ClinGen allele CA342250.

ClinVar aggregate classification (germline): Pathogenic. Review status: criteria provided, multiple submitters, no conflicts (2 of 4 stars). 8 submissions from 8 submitters: Pathogenic (5). 3 of the submissions do not count toward it. Last evaluated 2025-03-14.

Conditions:
Microcephaly 5, primary, autosomal recessive (MCPH5). Also called: ASPM Primary Microcephaly. Identifiers: Orphanet 2512, MedGen C1837501, MONDO:0012106, OMIM 608716.

Allele frequency attached by ClinVar (database versions not stated): gnomAD 0.00004; TOPMed 0.00001; ExAC 0.00002; gnomAD exomes 0.00002.
gnomAD v4.1: 18 of 1,610,712 alleles (0.0011%); highest among the groups gnomAD compares: Admixed American, 0.01%; no homozygotes.

Submissions (8):

GeneDx
Classification: Pathogenic. Last evaluated: 2025-03-14. Review status: criteria provided, single submitter. Criteria: GeneDx Variant Classification Process June 2021. Collection method: clinical testing. Allele origin: germline. Affected: yes.
Comment: Nonsense variant predicted to result in protein truncation or nonsense mediated decay in a gene for which loss of function is a known mechanism of disease; Not observed at significant frequency in large population cohorts (gnomAD); This variant is associated with the following publications: (PMID: 25525159, 14574646, 34906519)

Labcorp Genetics (formerly Invitae), Labcorp
Classification: Pathogenic. Last evaluated: 2024-11-11. Review status: criteria provided, single submitter. Criteria: Invitae Variant Classification Sherloc (09022015). Collection method: clinical testing. Allele origin: germline.
Comment: This sequence change creates a premature translational stop signal (p.Arg1271*) in the ASPM gene. It is expected to result in an absent or disrupted protein product. Loss-of-function variants in ASPM are known to be pathogenic (PMID: 19028728, 23611254). This variant is present in population databases (rs140602858, gnomAD 0.007%). This premature translational stop signal has been observed in individuals with autosomal recessive primary microcephaly (PMID: 14574646, 23611254). ClinVar contains an entry for this variant (Variation ID: 21583). For these reasons, this variant has been classified as Pathogenic.

Genome-Nilou Lab
Classification: Pathogenic for Microcephaly 5, primary, autosomal recessive. Last evaluated: 2023-04-11. Review status: criteria provided, single submitter. Criteria: ACMG Guidelines, 2015. Collection method: clinical testing. Allele origin: germline. Affected: no.

Baylor Genetics
Classification: Pathogenic for Microcephaly 5, primary, autosomal recessive. Last evaluated: 2020-01-16. Review status: criteria provided, single submitter. Criteria: ACMG Guidelines, 2015. Collection method: clinical testing. Allele origin: unknown. Affected: yes.
Comment: This variant was determined to be pathogenic according to ACMG Guidelines, 2015 [PMID:25741868].

Genetic Services Laboratory, University of Chicago
Classification: Pathogenic for Microcephaly 5, primary, autosomal recessive. Last evaluated: 2013-02-08. Review status: criteria provided, single submitter. Criteria: ACMG Guidelines, 2007. Collection method: clinical testing. Allele origin: germline. Inheritance: Autosomal recessive inheritance. Affected: yes.

GeneReviews
No classification provided. Condition: Microcephaly 5, primary, autosomal recessive. Review status: no classification provided. Collection method: literature only. Allele origin: unknown. Not counted in ClinVar's aggregate classification.

Genome Diagnostics Laboratory, University Medical Center Utrecht
Classification: Pathogenic. Review status: no assertion criteria provided. Collection method: clinical testing. Allele origin: germline. Affected: yes. Study: VKGL Data-share Consensus. Not counted in ClinVar's aggregate classification.

Joint Genome Diagnostic Labs from Nijmegen and Maastricht, Radboudumc and MUMC+
Classification: Pathogenic. Review status: no assertion criteria provided. Collection method: clinical testing. Allele origin: germline. Affected: yes. Study: VKGL Data-share Consensus. Not counted in ClinVar's aggregate classification.

Literature cited by the submitters: PubMed 19028728 (cited by Labcorp Genetics (formerly Invitae), Labcorp); PubMed 23611254 (cited by Labcorp Genetics (formerly Invitae), Labcorp); PubMed 14574646 (cited by Labcorp Genetics (formerly Invitae), Labcorp); PubMed 20301772 (cited by GeneReviews); NCBI Bookshelf NBK9587 (cited by GeneReviews).